The following is an entry in ClinVar:

NM_024572.4(GALNT14):c.129+23158del

Gene: GALNT14 (polypeptide N-acetylgalactosaminyltransferase 14; minus strand). Cytogenetic location: 2p23.1.
Variant type: Deletion.
Coding change: c.129+23158del on transcript NM_024572.4 (MANE Select); 23158 bases into the intron after coding-DNA position 129, one base deleted (C; older notation c.129+23158delC).
Molecular consequence: intron variant. On other transcripts: frameshift variant (3).
Genome position (GRCh38, 1-based): chr2:31,114,800, G deleted on the plus strand (C on the coding strand, the reverse complement: GALNT14 is on the minus strand); the first of 3 consecutive G bases (chr2:31,114,800-31,114,802); deleting any one gives the same sequence. VCF-style (leftmost placement, unchanged base first): chr2-31114799-TG-T. GRCh37 (hg19) VCF-style: chr2-31337665-TG-T.
Other names: c.257del, p.Pro86fs (NM_001253826.2); c.12del, p.Met5fs (NM_001253827.2, NM_001329096.2); c.129+23158del (NM_001329097.2); c.-110+23158del (NM_001329095.2); short protein forms P86fs, M5fs.
Identifiers: ClinVar variation 4992676 (VCV004992676.1).

ClinVar aggregate classification (germline): Uncertain significance (1 of 4 stars; one submission).

Conditions:
GALNT14-related disorder. Also called: GALNT14-related condition.

Submission:

PreventionGenetics, part of Exact Sciences
Classification: Uncertain significance for GALNT14-related condition. Last evaluated: 2026-07-24. Review status: criteria provided, single submitter. Criteria: ACMG Guidelines, 2015. Collection method: clinical testing. Allele origin: germline.
Comment: The GALNT14 c.257delC variant is predicted to result in a frameshift and premature protein termination (p.Pro86Hisfs*55). To our knowledge, this variant has not been reported in the literature or in a large population database (gnomAD), indicating this variant is rare. At this time, the clinical significance of this variant is uncertain due to the absence of conclusive functional and genetic evidence.